The following is an entry in ClinVar:

ClinVar aggregate classification (germline): Uncertain significance (1 of 4 stars; one submission).

Allele frequency attached by ClinVar (database versions not stated): gnomAD exomes 0.00001; ExAC 0.00003; gnomAD 0.00004; TOPMed 0.00005; ESP Exome Variant Server 0.00015.
gnomAD v4.1: 23 of 1,613,664 alleles (0.0014%); highest among the groups gnomAD compares: African/African-American, 0.016%; no homozygotes.

Submission:

Labcorp Genetics (formerly Invitae), Labcorp
Classification: Uncertain significance. Last evaluated: 2022-05-20. Review status: criteria provided, single submitter. Criteria: Invitae Variant Classification Sherloc (09022015). Collection method: clinical testing. Allele origin: germline.
Comment: This sequence change replaces glycine, which is neutral and non-polar, with serine, which is neutral and polar, at codon 723 of the BMP1 protein (p.Gly723Ser). This variant is present in population databases (rs371330807, gnomAD 0.008%). This variant has not been reported in the literature in individuals affected with BMP1-related conditions. Algorithms developed to predict the effect of missense changes on protein structure and function (SIFT, PolyPhen-2, Align-GVGD) all suggest that this variant is likely to be disruptive. In summary, the available evidence is currently insufficient to determine the role of this variant in disease. Therefore, it has been classified as a Variant of Uncertain Significance.

NM_006129.5(BMP1):c.2167G>A (p.Gly723Ser)

Gene: BMP1 (bone morphogenetic protein 1; plus strand). Cytogenetic location: 8p21.3.
Variant type: single nucleotide variant.
Coding change: c.2167G>A on transcript NM_006129.5 (MANE Select); coding-DNA position 2167, G replaced by A.
Protein change: p.Gly723Ser; replaces glycine 723 with serine.
Molecular consequence: missense variant. On other transcripts: non-coding transcript variant (1).
Genome position (GRCh38, 1-based): chr8:22,201,862, G>A. VCF-style: chr8-22201862-G-A. GRCh37 (hg19) VCF-style: chr8-22059375-G-A.
Other names: short protein forms G723S.
Identifiers: ClinVar variation 2186558 (VCV002186558.1), dbSNP rs371330807, ClinGen allele CA4665143.